The following is an entry in ClinVar:

NM_001378454.1(ALMS1):c.12436C>T (p.Arg4146Trp)

Gene: ALMS1 (ALMS1 centrosome and basal body associated protein; plus strand). Cytogenetic location: 2p13.1.
Variant type: single nucleotide variant.
Coding change: c.12436C>T on transcript NM_001378454.1 (MANE Select); coding-DNA position 12436, C replaced by T.
Protein change: p.Arg4146Trp; replaces arginine 4146 with tryptophan.
Molecular consequence: missense variant.
Genome position (GRCh38, 1-based): chr2:73,608,548, C>T. VCF-style: chr2-73608548-C-T. GRCh37 (hg19) VCF-style: chr2-73835675-C-T.
Other names: c.12439C>T, p.Arg4147Trp (NM_015120.4); short protein forms R4147W, R4146W.
Identifiers: ClinVar variation 554429 (VCV000554429.9), dbSNP rs763519566, ClinGen allele CA1715577.

ClinVar aggregate classification (germline): Uncertain significance. Review status: criteria provided, multiple submitters, no conflicts (2 of 4 stars). 4 submissions from 4 submitters: Uncertain significance (2). 2 of the submissions do not count toward it. Last evaluated 2023-08-04.

Conditions:
ALMS1-related disorder. Also called: ALMS1-related condition.
Cardiovascular phenotype. Identifiers: MedGen CN230736.
Alstrom syndrome (ALMS). Identifiers: Orphanet 64, MedGen C0268425, MONDO:0008763, OMIM 203800.

Allele frequency attached by ClinVar (database versions not stated): gnomAD 0.00001; gnomAD exomes 0.00001; ExAC 0.00002; TOPMed 0.00002.
gnomAD v4.1: 7 of 1,613,748 alleles (0.00043%); highest among the groups gnomAD compares: Middle Eastern, 0.033%; no homozygotes.

Submissions (4):

Labcorp Genetics (formerly Invitae), Labcorp
Classification: Uncertain significance for Alstrom syndrome. Last evaluated: 2023-08-04. Review status: criteria provided, single submitter. Criteria: Invitae Variant Classification Sherloc (09022015). Collection method: clinical testing. Allele origin: germline.
Comment: This sequence change replaces arginine, which is basic and polar, with tryptophan, which is neutral and slightly polar, at codon 4147 of the ALMS1 protein (p.Arg4147Trp). This variant has not been reported in the literature in individuals affected with ALMS1-related conditions. This variant is present in population databases (rs763519566, gnomAD 0.003%). ClinVar contains an entry for this variant (Variation ID: 554429). Experimental studies and prediction algorithms are not available or were not evaluated, and the functional significance of this variant is currently unknown. In summary, the available evidence is currently insufficient to determine the role of this variant in disease. Therefore, it has been classified as a Variant of Uncertain Significance.

Ambry Genetics
Classification: Uncertain significance for Cardiovascular phenotype. Last evaluated: 2020-01-21. Review status: criteria provided, single submitter. Criteria: Ambry Variant Classification Scheme 2023. Collection method: clinical testing. Allele origin: germline.
Comment: The p.R4147W variant (also known as c.12439C>T), located in coding exon 22 of the ALMS1 gene, results from a C to T substitution at nucleotide position 12439. The arginine at codon 4147 is replaced by tryptophan, an amino acid with dissimilar properties. This amino acid position is well conserved in available vertebrate species; however, tryptophan is the reference amino acid in other vertebrate species. In addition, this alteration is predicted to be tolerated by in silico analysis. Since supporting evidence is limited at this time, the clinical significance of this alteration remains unclear.

PreventionGenetics, part of Exact Sciences
Classification: Uncertain significance for ALMS1-related condition. Last evaluated: 2024-02-07. Review status: no assertion criteria provided. Collection method: clinical testing. Allele origin: germline. Not counted in ClinVar's aggregate classification.
Comment: The ALMS1 c.12439C>T variant is predicted to result in premature protein termination (p.Arg4147*). To our knowledge, this variant has not been reported in the literature, and no other 3' protein-truncating variants have been reported in association with disease to date (Human Gene Mutation Database). This variant is reported in 0.029% of alleles in individuals of Ashkenazi Jewish descent in gnomAD. Although we suspect that this variant may be pathogenic, at this time, the clinical significance of this variant is uncertain due to the absence of conclusive functional and genetic evidence.

Counsyl
Classification: Uncertain significance for Alstrom syndrome. Last evaluated: 2017-10-18. Review status: no assertion criteria provided. Collection method: clinical testing. Allele origin: unknown. Not counted in ClinVar's aggregate classification.